The following is an entry in ClinVar:

ClinVar aggregate classification (germline): Conflicting classifications of pathogenicity. Review status: criteria provided, conflicting classifications (1 of 4 stars). 3 submissions from 3 submitters: Uncertain significance (2); Benign (1). Last evaluated 2025-03-26.

Conditions:
Leber congenital amaurosis 16 (LCA16). Identifiers: Orphanet 65, MedGen C3280062, MONDO:0013613, OMIM 614186.

Allele frequency attached by ClinVar (database versions not stated): gnomAD 0.00003; TOPMed 0.00003; ExAC 0.00006; gnomAD exomes 0.00007; ESP Exome Variant Server 0.00008.
gnomAD v4.1: 41 of 1,614,016 alleles (0.0025%); highest among the groups gnomAD compares: Admixed American, 0.0033%; no homozygotes.

Submissions (3):

Labcorp Genetics (formerly Invitae), Labcorp
Classification: Uncertain significance. Last evaluated: 2025-03-26. Review status: criteria provided, single submitter. Criteria: Invitae Variant Classification Sherloc (09022015). Collection method: clinical testing. Allele origin: germline.
Comment: This sequence change replaces methionine, which is neutral and non-polar, with threonine, which is neutral and polar, at codon 81 of the KCNJ13 protein (p.Met81Thr). This variant is present in population databases (rs371256707, gnomAD 0.2%). This variant has not been reported in the literature in individuals affected with KCNJ13-related conditions. ClinVar contains an entry for this variant (Variation ID: 895229). Invitae Evidence Modeling of protein sequence and biophysical properties (such as structural, functional, and spatial information, amino acid conservation, physicochemical variation, residue mobility, and thermodynamic stability) indicates that this missense variant is not expected to disrupt KCNJ13 protein function with a negative predictive value of 80%. In summary, the available evidence is currently insufficient to determine the role of this variant in disease. Therefore, it has been classified as a Variant of Uncertain Significance.

Blueprint Genetics
Classification: Benign. Last evaluated: 2024-04-12. Review status: criteria provided, single submitter. Criteria: ACMG Guidelines, 2015. Collection method: clinical testing. Allele origin: germline.

Illumina Laboratory Services, Illumina
Classification: Uncertain significance for Leber congenital amaurosis 16. Last evaluated: 2018-01-13. Review status: criteria provided, single submitter. Criteria: ICSL Variant Classification Criteria 13 December 2019. Collection method: clinical testing. Allele origin: germline.

NM_002242.4(KCNJ13):c.242T>C (p.Met81Thr)

Genes: GIGYF2 (GRB10 interacting GYF protein 2; plus strand), KCNJ13 (potassium inwardly rectifying channel subfamily J member 13; minus strand). Cytogenetic location: 2q37.1.
Variant type: single nucleotide variant.
Coding change: c.242T>C on transcript NM_002242.4 (MANE Select); coding-DNA position 242, T replaced by C.
Protein change: p.Met81Thr; replaces methionine 81 with threonine.
Molecular consequence: missense variant. On other transcripts: initiator codon variant (1), intron variant (5).
Genome position (GRCh38, 1-based): chr2:232,771,121, A>G on the plus strand (T>C on the coding strand, the complement: KCNJ13 is on the minus strand). VCF-style: chr2-232771121-A-G. GRCh37 (hg19) VCF-style: chr2-233635831-A-G.
Other names: c.2T>C, p.Met1Thr (NM_001172417.1); c.532+9685A>G (NM_001103146.3, NM_015575.4, NM_001103148.2); c.533-5291A>G (NM_001103147.2); c.224+18T>C (NM_001172416.1); short protein forms M1T, M81T.
Identifiers: ClinVar variation 895229 (VCV000895229.11), dbSNP rs371256707, ClinGen allele CA2170069.